The following is an entry in ClinVar:

NM_198968.4(DZIP1):c.552C>T (p.Ile184=)

Gene: DZIP1 (DAZ interacting zinc finger protein 1; minus strand). Cytogenetic location: 13q32.1.
Variant type: single nucleotide variant.
Coding change: c.552C>T on transcript NM_198968.4 (MANE Select); coding-DNA position 552, C replaced by T.
Protein change: p.Ile184=; no amino-acid change (isoleucine 184 retained).
Molecular consequence: synonymous variant.
Genome position (GRCh38, 1-based): chr13:95,641,340, G>A on the plus strand (C>T on the coding strand, the complement: DZIP1 is on the minus strand). VCF-style: chr13-95641340-G-A. GRCh37 (hg19) VCF-style: chr13-96293594-G-A.
Other names: c.552C>T, p.Ile184= (NM_014934.5).
Identifiers: ClinVar variation 4977514 (VCV004977514.1).
Genomic context (GRCh38, chr13:95,641,340, plus strand): 5'-CACACAGCTGCCCACCTGGTAATAGTTGGCTTTGGCCTCGATCATCAGCTGCTGGGTGGA[G>A]ATCATCTTCTTCCGGCGTTTGCACTCTTCCTTGAGCGTCTTGATCTCCCCCGCCTGCTTG-3'
Protein context (NP_945319.1, residues 174-194): KEECKRRKKM[Ile184=]STQQLMIEAK

ClinVar aggregate classification (germline): Likely benign (1 of 4 stars; one submission).

Conditions:
DZIP1-related disorder. Also called: DZIP1-related condition.

gnomAD v4.1: 23 of 1,609,990 alleles (0.0014%); highest among the groups gnomAD compares: African/African-American, 0.028%; no homozygotes.

Submission:

PreventionGenetics, part of Exact Sciences
Classification: Likely benign for DZIP1-related condition. Last evaluated: 2025-06-23. Review status: criteria provided, single submitter. Criteria: ACMG Guidelines, 2015. Collection method: clinical testing. Allele origin: germline.
Comment: This variant is classified as likely benign based on ACMG/AMP sequence variant interpretation guidelines (Richards et al. 2015 PMID: 25741868, with internal and published modifications).